The following is an entry in ClinVar:

ClinVar aggregate classification (germline): Pathogenic (1 of 4 stars; one submission).

Submission:

GeneDx
Classification: Pathogenic. Last evaluated: 2023-03-01. Review status: criteria provided, single submitter. Criteria: GeneDx Variant Classification Process June 2021. Collection method: clinical testing. Allele origin: germline. Affected: yes.
Comment: Canonical splice site variant in a gene for which loss-of-function is a known mechanism of disease; Not observed in large population cohorts (gnomAD); This variant is associated with the following publications: (PMID: 28488383)

NM_001368894.2(PAX6):c.141+2T>A

Gene: PAX6 (paired box 6; minus strand). Cytogenetic location: 11p13.
Variant type: single nucleotide variant.
Coding change: c.141+2T>A on transcript NM_001368894.2 (MANE Select); the canonical splice donor site of the intron after coding-DNA position 141, T replaced by A.
Molecular consequence: splice donor variant. On other transcripts: missense variant (3), intron variant (2).
Genome position (GRCh38, 1-based): chr11:31,802,702, A>T on the plus strand (T>A on the coding strand, the complement: PAX6 is on the minus strand). VCF-style: chr11-31802702-A-T. GRCh37 (hg19) VCF-style: chr11-31824250-A-T.
Other names: c.143T>A, p.Val48Glu (NM_001368918.2, NM_001368919.2, NM_001368920.2); c.141+2T>A (NM_001127612.3, NM_001368921.2, NM_001368923.2 and 27 more transcripts); c.384+2T>A (NM_001368910.2); c.-267-926T>A (NM_001368909.2, NM_001368904.2); c.144+2T>A (NM_001368911.2); c.-641+2T>A (NM_001368905.2, NM_001310160.2); c.-268+2T>A (NM_001368906.2, NM_001368901.2, NM_001368899.2 and 1 more transcripts); c.-310+2T>A (NM_001368908.2, NM_001310161.3, NM_001368900.2 and 2 more transcripts); and 1 more; short protein forms V48E.
Identifiers: ClinVar variation 2442469 (VCV002442469.1), dbSNP rs1057517782, ClinGen allele CA379959453.